The following is an entry in ClinVar:

NM_001302998.2(LIPI):c.652A>C (p.Ile218Leu)

Gene: LIPI (lipase I; minus strand). Cytogenetic location: 21q11.2.
Variant type: single nucleotide variant.
Coding change: c.652A>C on transcript NM_001302998.2 (MANE Select); coding-DNA position 652, A replaced by C.
Protein change: p.Ile218Leu; replaces isoleucine 218 with leucine.
Molecular consequence: missense variant. On other transcripts: intron variant (1).
Genome position (GRCh38, 1-based): chr21:14,166,443, T>G on the plus strand (A>C on the coding strand, the complement: LIPI is on the minus strand). VCF-style: chr21-14166443-T-G. GRCh37 (hg19) VCF-style: chr21-15538764-T-G.
Other names: c.652A>C, p.Ile218Leu (NM_001303000.2, NM_001303001.2, NM_001379565.1); c.157A>C, p.Ile53Leu (NM_001379566.1); c.517A>C, p.Ile173Leu (NM_198996.4); c.644-1053A>C (NM_001302999.2); short protein forms I173L, I53L, I218L.
Identifiers: ClinVar variation 3017215 (VCV003017215.3), dbSNP rs148005597, ClinGen allele CA317624188.

ClinVar aggregate classification (germline): Uncertain significance (1 of 4 stars; one submission).

Allele frequency attached by ClinVar (database versions not stated): gnomAD 0.00005; TOPMed 0.00005; ESP Exome Variant Server 0.00008.

Submission:

Labcorp Genetics (formerly Invitae), Labcorp
Classification: Uncertain significance. Last evaluated: 2023-08-11. Review status: criteria provided, single submitter. Criteria: Invitae Variant Classification Sherloc (09022015). Collection method: clinical testing. Allele origin: germline.
Comment: In summary, the available evidence is currently insufficient to determine the role of this variant in disease. Therefore, it has been classified as a Variant of Uncertain Significance. An algorithm developed to predict the effect of missense changes on protein structure and function (PolyPhen-2) suggests that this variant is likely to be disruptive. This variant has not been reported in the literature in individuals affected with LIPI-related conditions. This variant is present in population databases (rs148005597, gnomAD 0.02%). This sequence change replaces isoleucine, which is neutral and non-polar, with leucine, which is neutral and non-polar, at codon 239 of the LIPI protein (p.Ile239Leu).